The following is an entry in ClinVar:

ClinVar aggregate classification (germline): Uncertain significance (1 of 4 stars; one submission).

Conditions:
Inborn genetic diseases. Identifiers: MedGen C0950123, MeSH D030342.

Submission:

Ambry Genetics
Classification: Uncertain significance for Inborn genetic diseases. Last evaluated: 2021-09-23. Review status: criteria provided, single submitter. Criteria: Ambry Variant Classification Scheme 2023. Collection method: clinical testing. Allele origin: germline.
Comment: The p.F1026I variant (also known as c.3076T>A), located in coding exon 23 of the LRRK2 gene, results from a T to A substitution at nucleotide position 3076. The phenylalanine at codon 1026 is replaced by isoleucine, an amino acid with highly similar properties. This amino acid position is conserved. In addition, this alteration is predicted to be tolerated by in silico analysis. Since supporting evidence is limited at this time, the clinical significance of this alteration remains unclear.

NM_198578.4(LRRK2):c.3076T>A (p.Phe1026Ile)

Gene: LRRK2 (leucine rich repeat kinase 2; plus strand). Cytogenetic location: 12q12.
Variant type: single nucleotide variant.
Coding change: c.3076T>A on transcript NM_198578.4 (MANE Select); coding-DNA position 3076, T replaced by A.
Protein change: p.Phe1026Ile; replaces phenylalanine 1026 with isoleucine.
Molecular consequence: missense variant.
Genome position (GRCh38, 1-based): chr12:40,295,624, T>A. VCF-style: chr12-40295624-T-A. GRCh37 (hg19) VCF-style: chr12-40689426-T-A.
Other names: short protein forms F1026I.
Identifiers: ClinVar variation 1727315 (VCV001727315.2), dbSNP rs2499730033, ClinGen allele CA384413093.